The following is an entry in ClinVar:

ClinVar aggregate classification (germline): Conflicting classifications of pathogenicity. Review status: criteria provided, conflicting classifications (1 of 4 stars). 3 submissions from 3 submitters: Likely pathogenic (1); Uncertain significance (2). Last evaluated 2026-03-16.

Conditions:
Bethlem myopathy 1A. Also called: Bethlem myopathy 1; MYOPATHY, BENIGN CONGENITAL, WITH CONTRACTURES; Bethlem Muscular Dystrophy. Identifiers: Orphanet 610, MedGen CN029274, MONDO:0024530, OMIM 158810.

Allele frequency attached by ClinVar (database versions not stated): gnomAD exomes 0.00002 and 0.00004; ExAC 0.00005.

Submissions (3):

GeneDx
Classification: Likely pathogenic. Last evaluated: 2026-03-16. Review status: criteria provided, single submitter. Criteria: GeneDx Variant Classification Process June 2021. Collection method: clinical testing. Allele origin: germline. Affected: yes.
Comment: Intronic variant directly or indirectly altering the +5 splice site in a gene for which loss of function is a known mechanism of disease, and splice predictors support a deleterious effect; This variant is associated with the following publications: (PMID: 32528171, 33726816)

Labcorp Genetics (formerly Invitae), Labcorp
Classification: Uncertain significance for Bethlem myopathy 1A. Last evaluated: 2026-02-01. Review status: criteria provided, single submitter. Criteria: Invitae Variant Classification Sherloc (09022015). Collection method: clinical testing. Allele origin: germline.
Comment: This sequence change falls in intron 39 of the COL6A3 gene. It does not directly change the encoded amino acid sequence of the COL6A3 protein. It affects a nucleotide within the consensus splice site. This variant is present in population databases (rs776144262, gnomAD 0.04%). This variant has not been reported in the literature in individuals affected with COL6A3-related conditions. ClinVar contains an entry for this variant (Variation ID: 594259). Variants that disrupt the consensus splice site are a relatively common cause of aberrant splicing (PMID: 17576681, 9536098). Algorithms developed to predict the effect of sequence changes on RNA splicing suggest that this variant may disrupt the consensus splice site. In summary, the available evidence is currently insufficient to determine the role of this variant in disease. Therefore, it has been classified as a Variant of Uncertain Significance.

Eurofins Ntd Llc (ga)
Classification: Uncertain significance. Last evaluated: 2017-10-05. Review status: criteria provided, single submitter. Criteria: EGL Classification Definitions 2015. Collection method: clinical testing. Allele origin: germline. Observed: 1 variant allele, 1 heterozygote.

Literature cited by the submitters: PubMed 17576681 (cited by Labcorp Genetics (formerly Invitae), Labcorp); PubMed 9536098 (cited by Labcorp Genetics (formerly Invitae), Labcorp).

NM_004369.4(COL6A3):c.8567+2dup

Gene: COL6A3 (collagen type VI alpha 3 chain; minus strand). Cytogenetic location: 2q37.3.
Variant type: Duplication.
Coding change: c.8567+2dup on transcript NM_004369.4 (MANE Select); the canonical splice donor site of the intron after coding-DNA position 8567, one base duplicated (T; older notation c.8567+2dupT).
Molecular consequence: splice donor variant.
Genome position (GRCh38, 1-based): chr2:237,339,013, A duplicated on the plus strand (T on the coding strand, the reverse complement: COL6A3 is on the minus strand). VCF-style (leftmost placement, unchanged base first): chr2-237339012-T-TA. GRCh37 (hg19) VCF-style: chr2-238247655-T-TA.
Other names: c.6746+2dup (NM_057166.5); c.7949+2dup (NM_057167.4).
Identifiers: ClinVar variation 594259 (VCV000594259.13), dbSNP rs776144262, ClinGen allele CA2187511.
Genomic context (GRCh38, chr2:237,339,012, plus strand): 5'-TTGGAGGACCTGTGCATTCCCTGCAGCGCTACAATTTTTAAGACAATAATTATAATCACT[T>TA]ACACTTGTTTGTGACCAAACTTCACAAGGTTCTTTGTGGGTTGGTCCCCTTGGAACCAAT-3'